The following is an entry in ClinVar:

ClinVar aggregate classification (germline): Conflicting classifications of pathogenicity. Review status: criteria provided, conflicting classifications (1 of 4 stars). 3 submissions from 3 submitters: Uncertain significance (2); Likely benign (1). Last evaluated 2024-10-30.

Conditions:
Occult macular dystrophy (OCMD). Also called: OCCULT MACULAR DYSTROPHY, SUSCEPTIBILITY TO; OMD. Identifiers: Orphanet 247834, MedGen C3150833, MONDO:0013316, OMIM 613587, HP:0030636.

Allele frequency attached by ClinVar (database versions not stated): gnomAD exomes 0.00001 and 0.00003; gnomAD 0.00003 and 0.00005; ExAC 0.00004; 1000 Genomes Project 30x 0.00031; 1000 Genomes Project 0.00040.
gnomAD v4.1: 30 of 1,613,394 alleles (0.0019%); highest among the groups gnomAD compares: Middle Eastern, 0.017%; no homozygotes.

Submissions (3):

Labcorp Genetics (formerly Invitae), Labcorp
Classification: Uncertain significance. Last evaluated: 2024-10-30. Review status: criteria provided, single submitter. Criteria: Invitae Variant Classification Sherloc (09022015). Collection method: clinical testing. Allele origin: germline.
Comment: This sequence change replaces proline, which is neutral and non-polar, with leucine, which is neutral and non-polar, at codon 124 of the RP1L1 protein (p.Pro124Leu). This variant is present in population databases (rs570222177, gnomAD 0.02%). This variant has not been reported in the literature in individuals affected with RP1L1-related conditions. ClinVar contains an entry for this variant (Variation ID: 911777). Invitae Evidence Modeling of protein sequence and biophysical properties (such as structural, functional, and spatial information, amino acid conservation, physicochemical variation, residue mobility, and thermodynamic stability) indicates that this missense variant is not expected to disrupt RP1L1 protein function with a negative predictive value of 80%. In summary, the available evidence is currently insufficient to determine the role of this variant in disease. Therefore, it has been classified as a Variant of Uncertain Significance.

Blueprint Genetics
Classification: Uncertain significance. Last evaluated: 2024-09-07. Review status: criteria provided, single submitter. Criteria: ACMG Guidelines, 2015. Collection method: clinical testing. Allele origin: germline.

Illumina Laboratory Services, Illumina
Classification: Likely benign for Occult macular dystrophy. Last evaluated: 2018-01-12. Review status: criteria provided, single submitter. Criteria: ICSL Variant Classification Criteria 13 December 2019. Collection method: clinical testing. Allele origin: germline.
Comment: This variant was observed in the ICSL laboratory as part of a predisposition screen in an ostensibly healthy population. It had not been previously curated by ICSL or reported in the Human Gene Mutation Database (HGMD: prior to June 1st, 2018), and was therefore a candidate for classification through an automated scoring system. Utilizing variant allele frequency, disease prevalence and penetrance estimates, and inheritance mode, an automated score was calculated to assess if this variant is too frequent to cause the disease. Based on the score and internal cut-off values, a variant classified as likely benign is not then subjected to further curation. The score for this variant resulted in a classification of likely benign for this disease.

NM_178857.6(RP1L1):c.371C>T (p.Pro124Leu)

Gene: RP1L1 (RP1 like 1). Cytogenetic location: 8p23.1.
Variant type: single nucleotide variant.
Coding change: c.371C>T on transcript NM_178857.6 (MANE Select); coding-DNA position 371, C replaced by T.
Protein change: p.Pro124Leu; replaces proline 124 with leucine.
Molecular consequence: missense variant.
Genome position (GRCh38, 1-based): chr8:10,622,831, G>A on the plus strand (C>T on the coding strand, the complement: RP1L1 is on the minus strand). VCF-style: chr8-10622831-G-A. GRCh37 (hg19) VCF-style: chr8-10480341-G-A.
Other names: short protein forms P124L.
Identifiers: ClinVar variation 911777 (VCV000911777.10), dbSNP rs570222177, ClinGen allele CA4625736.